The following is an entry in ClinVar:

NM_000203.5(IDUA):c.1181_1189dup (p.Leu396_Asp397insAlaLeuLeu)

Gene: IDUA (alpha-L-iduronidase; plus strand). Cytogenetic location: 4p16.3.
Variant type: Duplication.
Coding change: c.1181_1189dup on transcript NM_000203.5 (MANE Select); coding-DNA positions 1181 to 1189, 9 bases duplicated (CGCTGCTGG; older notation c.1181_1189dupCGCTGCTGG).
Protein change: p.Leu396_Asp397insAlaLeuLeu.
Molecular consequence: non-coding transcript variant (on NR_110313.1).
Genome position (GRCh38, 1-based): chr4:1,002,477-1,002,485, CGCTGCTGG duplicated; duplicating any 9 consecutive bases within chr4:1,002,469-1,002,485 gives the same sequence; the c. name uses the placement nearest the transcript's 3' end. VCF-style (leftmost placement, unchanged base first): chr4-1002468-G-GGCTGCTGGC. GRCh37 (hg19) VCF-style: chr4-996256-G-GGCTGCTGGC.
Other names: c.785_793dup, p.Leu264_Asp265insAlaLeuLeu (NM_001363576.1).
Identifiers: ClinVar variation 3720561 (VCV003720561.3).

ClinVar aggregate classification (germline): Likely pathogenic. Review status: criteria provided, multiple submitters, no conflicts (2 of 4 stars). 2 submissions from 2 submitters: Likely pathogenic (2). Last evaluated 2025-11-04.

Conditions:
Mucopolysaccharidosis type 1. Also called: IDUA deficiency; MPS I; Mucopolysaccharidosis Type I. Identifiers: Orphanet 579, MedGen C0023786, MONDO:0001586.

Submissions (2):

Myriad Genetics, Inc.
Classification: Likely pathogenic for Mucopolysaccharidosis type 1. Last evaluated: 2025-11-04. Review status: criteria provided, single submitter. Criteria: Myriad Autosomal Dominant, Autosomal Recessive and X-Linked Classification Criteria (2023). Collection method: clinical testing. Allele origin: unknown.
Comment: NM_000203.3(IDUA):c.1181_1189dup9(A394_L396dup) is an in-frame duplication classified as likely pathogenic in the context of mucopolysaccharidosis type I. A394_L396dup has been observed in cases with relevant disease (PMID: 7550242, 21394825, 31473686, 33301762). Relevant functional assessments of this variant are not available in the literature. A394_L396dup has been observed in referenced population frequency databases. In summary, NM_000203.3(IDUA):c.1181_1189dup9(A394_L396dup) is an in-frame duplication that has been observed more frequently in cases with the relevant disease than in healthy populations. Please note: this variant was assessed in the context of healthy population screening.

Labcorp Genetics (formerly Invitae), Labcorp
Classification: Likely pathogenic for Mucopolysaccharidosis type 1. Last evaluated: 2024-11-16. Review status: criteria provided, single submitter. Criteria: Invitae Variant Classification Sherloc (09022015). Collection method: clinical testing. Allele origin: germline.
Comment: This variant, c.1181_1189dup, results in the insertion of 3 amino acid(s) of the IDUA protein (p.Ala394_Leu396dup), but otherwise preserves the integrity of the reading frame. This variant is present in population databases (no rsID available, gnomAD 0.004%). This variant has been observed in individual(s) with autosomal recessive mucopolysaccharidosis type I (MPS I) (PMID: 7550242, 21394825, 31473686, 33301762). This variant is also known as 1277ins9 and c.1181ins9. In summary, the currently available evidence indicates that the variant is pathogenic, but additional data are needed to prove that conclusively. Therefore, this variant has been classified as Likely Pathogenic.

Literature cited by the submitters: PubMed 21394825 (cited by Myriad Genetics, Inc. and Labcorp Genetics (formerly Invitae), Labcorp); PubMed 31473686 (cited by Myriad Genetics, Inc. and Labcorp Genetics (formerly Invitae), Labcorp); PubMed 33301762 (cited by Myriad Genetics, Inc. and Labcorp Genetics (formerly Invitae), Labcorp); PubMed 7550242 (cited by Myriad Genetics, Inc. and Labcorp Genetics (formerly Invitae), Labcorp).